The following is an entry in ClinVar:

ClinVar aggregate classification (germline): Conflicting classifications of pathogenicity. Review status: criteria provided, conflicting classifications (1 of 4 stars). 2 submissions from 2 submitters: Uncertain significance (1); Likely benign (1). Last evaluated 2025-02-16.

gnomAD v4.1: 83 of 1,553,530 alleles (0.0053%); highest among the groups gnomAD compares: East Asian, 0.019%; no homozygotes.

Submissions (2):

Laboratory of Genetics, Children's Clinical University Hospital Latvia
Classification: Likely benign. Last evaluated: 2025-02-16. Review status: criteria provided, single submitter. Criteria: ACMG Guidelines, 2015. Collection method: clinical testing. Allele origin: germline. Affected: yes.

Labcorp Genetics (formerly Invitae), Labcorp
Classification: Uncertain significance. Last evaluated: 2024-08-29. Review status: criteria provided, single submitter. Criteria: Invitae Variant Classification Sherloc (09022015). Collection method: clinical testing. Allele origin: germline.
Comment: This sequence change replaces proline, which is neutral and non-polar, with leucine, which is neutral and non-polar, at codon 525 of the DLL1 protein (p.Pro525Leu). This variant is present in population databases (rs754306571, gnomAD 0.02%). This variant has not been reported in the literature in individuals affected with DLL1-related conditions. An algorithm developed to predict the effect of missense changes on protein structure and function outputs the following: PolyPhen-2: "Benign". The leucine amino acid residue is found in multiple mammalian species, which suggests that this missense change does not adversely affect protein function. In summary, the available evidence is currently insufficient to determine the role of this variant in disease. Therefore, it has been classified as a Variant of Uncertain Significance.

NM_005618.4(DLL1):c.1574C>T (p.Pro525Leu)

Gene: DLL1 (delta like canonical Notch ligand 1; minus strand). Cytogenetic location: 6q27.
Variant type: single nucleotide variant.
Coding change: c.1574C>T on transcript NM_005618.4 (MANE Select); coding-DNA position 1574, C replaced by T.
Protein change: p.Pro525Leu; replaces proline 525 with leucine.
Molecular consequence: missense variant.
Genome position (GRCh38, 1-based): chr6:170,283,705, G>A on the plus strand (C>T on the coding strand, the complement: DLL1 is on the minus strand). VCF-style: chr6-170283705-G-A. GRCh37 (hg19) VCF-style: chr6-170592793-G-A.
Other names: short protein forms P525L.
Identifiers: ClinVar variation 3603698 (VCV003603698.3).
Genomic context (GRCh38, chr6:170,283,705, plus strand): 5'-CAGGGGAATGGCCCGCCCTGGCCCTCTAGCTTCTCAGTGAGGTCCACCACCGCTGGGCCC[G>A]GGGGCAGCTCGGGGAGCAGGAACTGGCAGTTGGGACCCCCGTAGCCTCGGGCACACTCGC-3'
Protein context (NP_005609.3, residues 515-535): NCQFLLPELP[Pro525Leu]GPAVVDLTEK